The following is an entry in ClinVar:

ClinVar aggregate classification (germline): Uncertain significance (1 of 4 stars; one submission).

Allele frequency attached by ClinVar (database versions not stated): gnomAD exomes below 0.00001.
gnomAD v4.1: 1 of 1,551,488 alleles (0.000064%); highest among the groups gnomAD compares: Non-Finnish European, 0.000087%; no homozygotes.

Submission:

CeGaT Center for Human Genetics Tuebingen
Classification: Uncertain significance. Last evaluated: 2024-04-01. Review status: criteria provided, single submitter. Criteria: CeGaT Center For Human Genetics Tuebingen Variant Classification Criteria Version 2. Collection method: clinical testing. Allele origin: germline. Affected: yes. Observed: 1 variant allele.
Comment: DNHD1: PM2, BP4

NM_144666.3(DNHD1):c.2897A>G (p.Asp966Gly)

Gene: DNHD1 (dynein heavy chain domain 1; plus strand). Cytogenetic location: 11p15.4.
Variant type: single nucleotide variant.
Coding change: c.2897A>G on transcript NM_144666.3 (MANE Select); coding-DNA position 2897, A replaced by G.
Protein change: p.Asp966Gly; replaces aspartic acid 966 with glycine.
Molecular consequence: missense variant.
Genome position (GRCh38, 1-based): chr11:6,534,072, A>G. VCF-style: chr11-6534072-A-G. GRCh37 (hg19) VCF-style: chr11-6555302-A-G.
Other names: short protein forms D966G.
Identifiers: ClinVar variation 3234425 (VCV003234425.20), dbSNP rs2494016525, ClinGen allele CA379406050.